The following is an entry in ClinVar:

NM_001009944.3(PKD1):c.7903G>T (p.Glu2635Ter)

Gene: PKD1 (polycystin 1, transient receptor potential channel interacting; minus strand). Cytogenetic location: 16p13.3.
Variant type: single nucleotide variant.
Coding change: c.7903G>T on transcript NM_001009944.3 (MANE Select); coding-DNA position 7903, G replaced by T.
Protein change: p.Glu2635Ter; replaces glutamic acid 2635 with a stop codon.
Molecular consequence: nonsense.
Genome position (GRCh38, 1-based): chr16:2,105,435, C>A on the plus strand (G>T on the coding strand, the complement: PKD1 is on the minus strand). VCF-style: chr16-2105435-C-A. GRCh37 (hg19) VCF-style: chr16-2155436-C-A.
Other names: c.7903G>T, p.Glu2635Ter (NM_000296.4); short protein forms E2635*.
Identifiers: ClinVar variation 873367 (VCV000873367.5), dbSNP rs778979740, ClinGen allele CA394366215.

ClinVar aggregate classification (germline): Pathogenic/Likely pathogenic. Review status: criteria provided, multiple submitters, no conflicts (2 of 4 stars). 5 submissions from 5 submitters: Pathogenic (4); Likely pathogenic (1). Last evaluated 2025-11-16.

Conditions:
Autosomal dominant polycystic kidney disease. Identifiers: Orphanet 730, MedGen C0085413, MONDO:0004691.
Polycystic kidney disease, adult type (PKD1). Also called: POLYCYSTIC KIDNEY DISEASE, ADULT, TYPE I; Polycystic Kidney Disease 1, Autosomal Dominant; Polycystic kidney disease 1; Polycystic kidney disease 1, severe; POLYCYSTIC KIDNEY DISEASE 1 WITH OR WITHOUT POLYCYSTIC LIVER DISEASE; Polycystic Kidney, Autosomal Dominant. Identifiers: MedGen C3149841, MONDO:0008263, OMIM 173900.
PKD1-related disorder. Also called: PKD1-related condition.

Submissions (5):

Victorian Clinical Genetics Services, Murdoch Childrens Research Institute
Classification: Pathogenic for Polycystic kidney disease, adult type. Last evaluated: 2025-11-16. Review status: criteria provided, single submitter. Criteria: ACMG Guidelines, 2015. Collection method: clinical testing. Allele origin: germline. Affected: yes.
Comment: This variant is classified as Pathogenic. Evidence in support of pathogenic classification: Variant is predicted to cause nonsense-mediated decay (NMD) and loss of protein (premature termination codon is located at least 54 nucleotides upstream of the final exon-exon junction); Variant is absent from gnomAD (v2, v3 and v4); This variant has moderate previous evidence of pathogenicity in unrelated individuals. The nonsense variant (c.7903G>T) has been classified as likely pathogenic/pathogenic by clinical laboratories in ClinVar and reported in the literature in an individual with polycystic kidney disease (PMID: 26150605). There is no mention in the reports of this nonsense variant being part of a more complex variant; Other NMD predicted variants comparable to the one identified in this case have very strong previous evidence for pathogenicity (DECIPHER). Additional information: This variant is heterozygous; This gene is associated with autosomal dominant disease. Polycystic kidney disease 1 (MIM#173900) is predominantly caused by monoallelic variants, with rare reports of biallelic variants causing disease (OMIM); Loss of function is a known mechanism of disease in this gene and is associated with polycystic kidney disease 1 (MIM#173900); Inheritance information for this variant is not currently available in this individual.

Molecular Genetics, Royal Melbourne Hospital
Classification: Pathogenic for Autosomal dominant polycystic kidney disease. Last evaluated: 2025-02-06. Review status: criteria provided, single submitter. Criteria: ACMG Guidelines, 2015. Collection method: clinical testing. Allele origin: germline. Inheritance: Autosomal dominant inheritance. Affected: yes.
Comment: This sequence change in PKD1 is a nonsense variant predicted to create a premature stop codon, p.(Glu2635*), in biologically relevant exon 21/46 leading to nonsense-mediated decay in a gene in which loss-of-function is an established disease mechanism (PMID: 25491204, 24694054, 29529603). Loss-of-function variants are a well-established cause of disease in exon 21 (ClinVar). This variant is absent from the population database gnomAD v4.1. This variant has been reported in at least four probands with autosomal dominant polycystic kidney disease (PMID: 26150605; ClinVar: SCV001251227.1, SCV004801809.1; Royal Melbourne Hospital). Based on the classification scheme RMH Modified ACMG/AMP Guidelines v1.7.1, this variant is classified as PATHOGENIC. Following criteria are met: PVS1, PS4, PM2_Supporting, PM5_Supporting

Blueprint Genetics
Classification: Pathogenic for PKD1-related disorders. Last evaluated: 2021-11-10. Review status: criteria provided, single submitter. Criteria: ACMG Guidelines, 2015. Collection method: clinical testing. Allele origin: germline. Affected: yes. Observed: 1 variant allele.

Cavalleri Lab, Royal College of Surgeons in Ireland
Classification: Pathogenic for Polycystic kidney disease, adult type. Last evaluated: 2020-02-05. Review status: criteria provided, single submitter. Criteria: ACMG Guidelines, 2015. Collection method: research. Allele origin: unknown. Inheritance: Autosomal dominant inheritance. Affected: yes.
Comment: PVS1, PM2, PP4

Molecular Genetics Department, Kulakov National Medical Research Center for Obstetrics, Gynecology and Perinatology
Classification: Likely pathogenic for Polycystic kidney disease, adult type. Review status: criteria provided, single submitter. Criteria: ACMG Guidelines, 2015. Collection method: clinical testing. Allele origin: germline. Affected: yes.
Comment: A previously undescribed nucleotide variant creates a premature translation stop signal p.Glu2635Ter in the PKD1 gene. Loss-of-function variants are reported in patients with Polycystic kidney disease 1, 173900. The variant is not present in population database (gnomAD no frequency). In summary, the currently available evidence indicates that the variant is pathogenic, but additional data are needed to prove that conclusively. Therefore, this variant has been classified as likely pathogenic.

Literature cited by the submitters: PubMed 26150605 (cited by Victorian Clinical Genetics Services, Murdoch Childrens Research Institute and Molecular Genetics, Royal Melbourne Hospital); PubMed 24694054 (cited by Molecular Genetics, Royal Melbourne Hospital); PubMed 25491204 (cited by Molecular Genetics, Royal Melbourne Hospital); PubMed 29529603 (cited by Molecular Genetics, Royal Melbourne Hospital).